The following is an entry in ClinVar:

NM_001099289.3(SH3RF3):c.1111G>A (p.Asp371Asn)

Genes: RANBP2 (RAN binding protein 2; plus strand), SH3RF3 (SH3 domain containing ring finger 3; plus strand). Cytogenetic location: 2q13.
Variant type: single nucleotide variant.
Coding change: c.1111G>A on transcript NM_001099289.3 (MANE Select); coding-DNA position 1111, G replaced by A.
Protein change: p.Asp371Asn; replaces aspartic acid 371 with asparagine.
Molecular consequence: missense variant.
Genome position (GRCh38, 1-based): chr2:109,398,755, G>A. VCF-style: chr2-109398755-G-A. GRCh37 (hg19) VCF-style: chr2-110015211-G-A.
Other names: short protein forms D371N.
Identifiers: ClinVar variation 4583338 (VCV004583338.1).

ClinVar aggregate classification (germline): Uncertain significance (1 of 4 stars; one submission).

gnomAD v4.1: 39 of 1,613,530 alleles (0.0024%); highest among the groups gnomAD compares: Non-Finnish European, 0.0031%; no homozygotes.

Submission:

Ambry Genetics
Classification: Uncertain significance. Last evaluated: 2025-12-09. Review status: criteria provided, single submitter. Criteria: Ambry Variant Classification Scheme 2023. Collection method: clinical testing. Allele origin: germline.
Comment: The c.1111G>A (p.D371N) alteration is located in exon (coding exon ) of the SH3RF3 gene. This alteration results from a G to A substitution at nucleotide position 1111, causing the aspartic acid (D) at amino acid position 371 to be replaced by an asparagine (N). Based on insufficient or conflicting evidence, the clinical significance of this alteration remains unclear.